The following is an entry in ClinVar:

ClinVar aggregate classification (germline): Conflicting classifications of pathogenicity. Review status: criteria provided, conflicting classifications (1 of 4 stars). 3 submissions from 3 submitters: Uncertain significance (2); Likely benign (1). Last evaluated 2023-12-19.

Conditions:
DNASE2-related disorder. Also called: DNASE2-related condition.

Allele frequency attached by ClinVar (database versions not stated): gnomAD exomes 0.00003 and 0.00005; gnomAD 0.00004 and 0.00005; TOPMed 0.00005; ExAC 0.00008; 1000 Genomes Project 30x 0.00016; 1000 Genomes Project 0.00020.
gnomAD v4.1: 57 of 1,613,124 alleles (0.0035%); highest among the groups gnomAD compares: South Asian, 0.044%; no homozygotes.

Submissions (3):

Ambry Genetics
Classification: Likely benign. Last evaluated: 2023-12-19. Review status: criteria provided, single submitter. Criteria: Ambry Variant Classification Scheme 2023. Collection method: clinical testing. Allele origin: germline.

PreventionGenetics, part of Exact Sciences
Classification: Uncertain significance for DNASE2-related condition. Last evaluated: 2022-10-27. Review status: criteria provided, single submitter. Criteria: ACMG Guidelines, 2015. Collection method: clinical testing. Allele origin: germline.
Comment: The DNASE2 c.1079T>G variant is predicted to result in the amino acid substitution p.Ile360Ser. To our knowledge, this variant has not been reported in the literature. This variant is reported in 0.039% of alleles in individuals of South Asian descent in gnomAD. At this time, the clinical significance of this variant is uncertain due to the absence of conclusive functional and genetic evidence.

Labcorp Genetics (formerly Invitae), Labcorp
Classification: Uncertain significance. Last evaluated: 2021-10-15. Review status: criteria provided, single submitter. Criteria: Invitae Variant Classification Sherloc (09022015). Collection method: clinical testing. Allele origin: germline.
Comment: This sequence change replaces isoleucine with serine at codon 360 of the DNASE2 protein (p.Ile360Ser). The isoleucine residue is weakly conserved and there is a large physicochemical difference between isoleucine and serine. This variant is present in population databases (rs554384572, ExAC 0.05%). This variant has not been reported in the literature in individuals affected with DNASE2-related conditions. Algorithms developed to predict the effect of missense changes on protein structure and function output the following: SIFT: "Tolerated"; PolyPhen-2: "Benign"; Align-GVGD: "Class C0". The serine amino acid residue is found in multiple mammalian species, which suggests that this missense change does not adversely affect protein function. In summary, the available evidence is currently insufficient to determine the role of this variant in disease. Therefore, it has been classified as a Variant of Uncertain Significance.

NM_001375.3(DNASE2):c.1079T>G (p.Ile360Ser)

Gene: DNASE2 (deoxyribonuclease 2, lysosomal; minus strand). Cytogenetic location: 19p13.13.
Variant type: single nucleotide variant.
Coding change: c.1079T>G on transcript NM_001375.3 (MANE Select); coding-DNA position 1079, T replaced by G.
Protein change: p.Ile360Ser; replaces isoleucine 360 with serine.
Molecular consequence: missense variant.
Genome position (GRCh38, 1-based): chr19:12,875,994, A>C on the plus strand (T>G on the coding strand, the complement: DNASE2 is on the minus strand). VCF-style: chr19-12875994-A-C. GRCh37 (hg19) VCF-style: chr19-12986808-A-C.
Other names: c.1079T>G (NM_001375.2); short protein forms I360S.
Identifiers: ClinVar variation 1063143 (VCV001063143.5), dbSNP rs554384572, ClinGen allele CA9233641.